The following is an entry in ClinVar:

NM_000448.3(RAG1):c.2276G>A (p.Arg759His)

Gene: RAG1 (recombination activating 1; plus strand). Cytogenetic location: 11p12.
Variant type: single nucleotide variant.
Coding change: c.2276G>A on transcript NM_000448.3 (MANE Select); coding-DNA position 2276, G replaced by A.
Protein change: p.Arg759His; replaces arginine 759 with histidine.
Molecular consequence: missense variant.
Genome position (GRCh38, 1-based): chr11:36,575,580, G>A. VCF-style: chr11-36575580-G-A. GRCh37 (hg19) VCF-style: chr11-36597130-G-A.
Other names: c.2276G>A, p.Arg759His (NM_001377277.1, NM_001377278.1, NM_001377279.1 and 1 more transcripts); short protein forms R759H.
Identifiers: ClinVar variation 1490552 (VCV001490552.6), dbSNP rs770953505, ClinGen allele CA5950240.

ClinVar aggregate classification (germline): Uncertain significance (1 of 4 stars; one submission).

Conditions:
Combined immunodeficiency with skin granulomas. Identifiers: Orphanet 157949, MedGen C2673536, MONDO:0009306, OMIM 233650.
Severe combined immunodeficiency, autosomal recessive, T cell-negative, B cell-negative, NK cell-positive. Also called: SCID, T CELL-NEGATIVE, B CELL-NEGATIVE, NK CELL-POSITIVE; Severe combined immunodeficiency due to complete RAG1/2 deficiency; SCID, AR, T-cell negative, B-cell negative, NK cell-positive. Identifiers: Orphanet 331206, MedGen C1832322, MONDO:0011086, OMIM 601457.

Allele frequency attached by ClinVar (database versions not stated): gnomAD exomes below 0.00001; TOPMed below 0.00001; ExAC 0.00001.
gnomAD v4.1: 5 of 1,614,202 alleles (0.00031%); highest among the groups gnomAD compares: Non-Finnish European, 0.00034%; no homozygotes.

Submission:

Labcorp Genetics (formerly Invitae), Labcorp
Classification: Uncertain significance for Combined immunodeficiency with skin granulomas; Severe combined immunodeficiency, autosomal recessive, T cell-negative, B cell-negative, NK cell-positive. Last evaluated: 2022-10-24. Review status: criteria provided, single submitter. Criteria: Invitae Variant Classification Sherloc (09022015). Collection method: clinical testing. Allele origin: germline.
Comment: This sequence change replaces arginine, which is basic and polar, with histidine, which is basic and polar, at codon 759 of the RAG1 protein (p.Arg759His). This variant is present in population databases (rs770953505, gnomAD 0.0009%). This variant has not been reported in the literature in individuals affected with RAG1-related conditions. ClinVar contains an entry for this variant (Variation ID: 1490552). Advanced modeling of protein sequence and biophysical properties (such as structural, functional, and spatial information, amino acid conservation, physicochemical variation, residue mobility, and thermodynamic stability) performed at Invitae indicates that this missense variant is not expected to disrupt RAG1 protein function. This variant disrupts the p.Arg759 amino acid residue in RAG1. Other variant(s) that disrupt this residue have been determined to be pathogenic (PMID: 20109747, 24418478, 30858051). This suggests that this residue is clinically significant, and that variants that disrupt this residue are likely to be disease-causing. In summary, the available evidence is currently insufficient to determine the role of this variant in disease. Therefore, it has been classified as a Variant of Uncertain Significance.

Literature cited by the submitters: PubMed 20109747; PubMed 24418478; PubMed 30858051.